The following is an entry in ClinVar:

NM_003835.4(RGS9):c.1852G>T (p.Gly618Cys)

Gene: RGS9 (regulator of G protein signaling 9; plus strand). Cytogenetic location: 17q24.1.
Variant type: single nucleotide variant.
Coding change: c.1852G>T on transcript NM_003835.4 (MANE Select); coding-DNA position 1852, G replaced by T.
Protein change: p.Gly618Cys; replaces glycine 618 with cysteine.
Molecular consequence: missense variant.
Genome position (GRCh38, 1-based): chr17:65,225,446, G>T. VCF-style: chr17-65225446-G-T. GRCh37 (hg19) VCF-style: chr17-63221564-G-T.
Other names: c.1843G>T, p.Gly615Cys (NM_001081955.3); short protein forms G615C, G618C.
Identifiers: ClinVar variation 1008296 (VCV001008296.8), dbSNP rs1455014482, ClinGen allele CA400674101.

ClinVar aggregate classification (germline): Uncertain significance (1 of 4 stars; one submission).

Allele frequency attached by ClinVar (database versions not stated): gnomAD exomes below 0.00001; TOPMed below 0.00001; gnomAD 0.00002.
gnomAD v4.1: 6 of 1,606,934 alleles (0.00037%); highest among the groups gnomAD compares: African/African-American, 0.008%; no homozygotes.

Submission:

Labcorp Genetics (formerly Invitae), Labcorp
Classification: Uncertain significance. Last evaluated: 2022-03-10. Review status: criteria provided, single submitter. Criteria: Invitae Variant Classification Sherloc (09022015). Collection method: clinical testing. Allele origin: germline.
Comment: The frequency data for this variant in the population databases is considered unreliable, as metrics indicate poor data quality at this position in the gnomAD database. In summary, the available evidence is currently insufficient to determine the role of this variant in disease. Therefore, it has been classified as a Variant of Uncertain Significance. Algorithms developed to predict the effect of missense changes on protein structure and function are either unavailable or do not agree on the potential impact of this missense change (SIFT: "Tolerated"; PolyPhen-2: "Possibly Damaging"; Align-GVGD: "Class C0"). ClinVar contains an entry for this variant (Variation ID: 1008296). This variant has not been reported in the literature in individuals affected with RGS9-related conditions. This sequence change replaces glycine, which is neutral and non-polar, with cysteine, which is neutral and slightly polar, at codon 618 of the RGS9 protein (p.Gly618Cys).